The following is an entry in ClinVar:

ClinVar aggregate classification (germline): Uncertain significance (1 of 4 stars; one submission).

gnomAD v4.1: 2 of 1,614,236 alleles (0.00012%); highest among the groups gnomAD compares: Non-Finnish European, 0.00017%; no homozygotes.

Submission:

Labcorp Genetics (formerly Invitae), Labcorp
Classification: Uncertain significance. Last evaluated: 2024-11-19. Review status: criteria provided, single submitter. Criteria: Invitae Variant Classification Sherloc (09022015). Collection method: clinical testing. Allele origin: germline.
Comment: This sequence change replaces isoleucine, which is neutral and non-polar, with valine, which is neutral and non-polar, at codon 434 of the RP1 protein (p.Ile434Val). This variant is not present in population databases (gnomAD no frequency). This variant has not been reported in the literature in individuals affected with RP1-related conditions. An algorithm developed to predict the effect of missense changes on protein structure and function outputs the following: PolyPhen-2: "Benign". The valine amino acid residue is found in multiple mammalian species, which suggests that this missense change does not adversely affect protein function. In summary, the available evidence is currently insufficient to determine the role of this variant in disease. Therefore, it has been classified as a Variant of Uncertain Significance.

NM_006269.2(RP1):c.1300A>G (p.Ile434Val)

Gene: RP1 (RP1 axonemal microtubule associated; plus strand). Cytogenetic location: 8q12.1.
Variant type: single nucleotide variant.
Coding change: c.1300A>G on transcript NM_006269.2 (MANE Select); coding-DNA position 1300, A replaced by G.
Protein change: p.Ile434Val; replaces isoleucine 434 with valine.
Molecular consequence: missense variant. On other transcripts: intron variant (1).
Genome position (GRCh38, 1-based): chr8:54,625,182, A>G. VCF-style: chr8-54625182-A-G. GRCh37 (hg19) VCF-style: chr8-55537742-A-G.
Other names: c.787+2894A>G (NM_001375654.1); short protein forms I434V.
Identifiers: ClinVar variation 3725590 (VCV003725590.2).